The following is an entry in ClinVar:

ClinVar aggregate classification (germline): Uncertain significance (1 of 4 stars; one submission).

Conditions:
Inborn genetic diseases. Identifiers: MedGen C0950123, MeSH D030342.

Submission:

Ambry Genetics
Classification: Uncertain significance for Inborn genetic diseases. Last evaluated: 2026-03-29. Review status: criteria provided, single submitter. Criteria: Ambry Variant Classification Scheme 2023. Collection method: clinical testing. Allele origin: germline.
Comment: The p.R257P variant (also known as c.770G>C), located in coding exon 6 of the FANCG gene, results from a G to C substitution at nucleotide position 770. The arginine at codon 257 is replaced by proline, an amino acid with dissimilar properties. This amino acid position is conserved. In addition, the in silico prediction for this alteration is inconclusive. Based on the available evidence, the clinical significance of this variant remains unclear.

NM_004629.2(FANCG):c.770G>C (p.Arg257Pro)

Gene: FANCG (FA complementation group G; minus strand). Cytogenetic location: 9p13.3.
Variant type: single nucleotide variant.
Coding change: c.770G>C on transcript NM_004629.2 (MANE Select); coding-DNA position 770, G replaced by C.
Protein change: p.Arg257Pro; replaces arginine 257 with proline.
Molecular consequence: missense variant.
Genome position (GRCh38, 1-based): chr9:35,076,978, C>G on the plus strand (G>C on the coding strand, the complement: FANCG is on the minus strand). VCF-style: chr9-35076978-C-G. GRCh37 (hg19) VCF-style: chr9-35076975-C-G.
Other names: short protein forms R257P.
Identifiers: ClinVar variation 3848470 (VCV003848470.2).